The following is an entry in ClinVar:

ClinVar aggregate classification (germline): Likely benign. Review status: criteria provided, multiple submitters, no conflicts (2 of 4 stars). 2 submissions from 2 submitters: Likely benign (2). Last evaluated 2025-12-19.

Conditions:
Multiple endocrine neoplasia, type 2 (MEN2). Identifiers: Orphanet 653, MedGen C4048306, MONDO:0019003. Disease mechanism: gain of function.

Submissions (2):

Labcorp Genetics (formerly Invitae), Labcorp
Classification: Likely benign for Multiple endocrine neoplasia, type 2. Last evaluated: 2025-12-19. Review status: criteria provided, single submitter. Criteria: Invitae Variant Classification Sherloc (09022015). Collection method: clinical testing. Allele origin: germline.

All of Us Research Program, National Institutes of Health
Classification: Likely benign for Multiple endocrine neoplasia, type 2. Last evaluated: 2024-02-22. Review status: criteria provided, single submitter. Criteria: ACMG Guidelines, 2015. Collection method: clinical testing. Allele origin: germline. Inheritance: Autosomal dominant inheritance. Observed: 1 variant allele, 1 heterozygote.
Comment: This study involves interpretation of variants in research participants for the purpose of population health screening. Participant phenotype was not available at the time of variant classification. Additional details can be found in publication PMID: 35346344, PMCID: PMC8962531

NM_020975.6(RET):c.414G>A (p.Gln138=)

Gene: RET (ret proto-oncogene; plus strand). Cytogenetic location: 10q11.21.
Variant type: single nucleotide variant.
Coding change: c.414G>A on transcript NM_020975.6 (MANE Select); coding-DNA position 414, G replaced by A.
Protein change: p.Gln138=; no amino-acid change (glutamine 138 retained).
Molecular consequence: synonymous variant. On other transcripts: intron variant (22).
Genome position (GRCh38, 1-based): chr10:43,102,418, G>A. VCF-style: chr10-43102418-G-A. GRCh37 (hg19) VCF-style: chr10-43597866-G-A.
Other names: c.414G>A, p.Gln138= (NM_000323.2, NM_001406743.1, NM_001406744.1 and 16 more transcripts); c.338-53G>A (NM_001406764.1, NM_001406762.1, NM_001406761.1 and 4 more transcripts); c.337+1696G>A (NM_001406770.1, NM_001406766.1, NM_001406767.1 and 8 more transcripts); c.74-6613G>A (NM_001406784.1); c.74-9681G>A (NM_001406794.1, NM_001406792.1, NM_001406793.1).
Identifiers: ClinVar variation 761424 (VCV000761424.10), dbSNP rs1588863961, ClinGen allele CA469279321.